The following is an entry in ClinVar:

ClinVar aggregate classification (germline): Uncertain significance (1 of 4 stars; one submission).

Submission:

Labcorp Genetics (formerly Invitae), Labcorp
Classification: Uncertain significance. Last evaluated: 2025-09-24. Review status: criteria provided, single submitter. Criteria: Invitae Variant Classification Sherloc (09022015). Collection method: clinical testing. Allele origin: germline.
Comment: This sequence change replaces proline, which is neutral and non-polar, with serine, which is neutral and polar, at codon 378 of the COL4A1 protein (p.Pro378Ser). This variant is not present in population databases (gnomAD no frequency). This variant has not been reported in the literature in individuals affected with COL4A1-related conditions. Invitae Evidence Modeling of protein sequence and biophysical properties (such as structural, functional, and spatial information, amino acid conservation, physicochemical variation, residue mobility, and thermodynamic stability) indicates that this missense variant is not expected to disrupt COL4A1 protein function with a negative predictive value of 95%. In summary, the available evidence is currently insufficient to determine the role of this variant in disease. Therefore, it has been classified as a Variant of Uncertain Significance.

NM_001845.6(COL4A1):c.1132C>T (p.Pro378Ser)

Gene: COL4A1 (collagen type IV alpha 1 chain; minus strand). Cytogenetic location: 13q34.
Variant type: single nucleotide variant.
Coding change: c.1132C>T on transcript NM_001845.6 (MANE Select); coding-DNA position 1132, C replaced by T.
Protein change: p.Pro378Ser; replaces proline 378 with serine.
Molecular consequence: missense variant.
Genome position (GRCh38, 1-based): chr13:110,198,620, G>A on the plus strand (C>T on the coding strand, the complement: COL4A1 is on the minus strand). VCF-style: chr13-110198620-G-A. GRCh37 (hg19) VCF-style: chr13-110850967-G-A.
Other names: c.1132C>T, p.Pro378Ser (NM_001303110.2); short protein forms P378S.
Identifiers: ClinVar variation 4703630 (VCV004703630.1).